The following is an entry in ClinVar:

NM_001365999.1(SZT2):c.5213G>A (p.Arg1738His)

Gene: SZT2 (SZT2 subunit of KICSTOR complex; plus strand). Cytogenetic location: 1p34.2.
Variant type: single nucleotide variant.
Coding change: c.5213G>A on transcript NM_001365999.1 (MANE Select); coding-DNA position 5213, G replaced by A.
Protein change: p.Arg1738His; replaces arginine 1738 with histidine.
Molecular consequence: missense variant.
Genome position (GRCh38, 1-based): chr1:43,431,840, G>A. VCF-style: chr1-43431840-G-A. GRCh37 (hg19) VCF-style: chr1-43897511-G-A.
Other names: c.5042G>A, p.Arg1681His (NM_015284.4); short protein forms R1738H, R1681H.
Identifiers: ClinVar variation 1380461 (VCV001380461.9), dbSNP rs757114763, ClinGen allele CA809516.

ClinVar aggregate classification (germline): Uncertain significance. Review status: criteria provided, multiple submitters, no conflicts (2 of 4 stars). 2 submissions from 2 submitters: Uncertain significance (2). Last evaluated 2026-02-01.

Allele frequency attached by ClinVar (database versions not stated): TOPMed 0.00001; ExAC 0.00002; gnomAD exomes below 0.00001; gnomAD 0.00001.
gnomAD v4.1: 6 of 1,614,050 alleles (0.00037%); highest among the groups gnomAD compares: Middle Eastern, 0.033%; no homozygotes.

Submissions (2):

CeGaT Center for Human Genetics Tuebingen
Classification: Uncertain significance. Last evaluated: 2026-02-01. Review status: criteria provided, single submitter. Criteria: CeGaT Center For Human Genetics Tuebingen Variant Classification Criteria Version 2. Collection method: clinical testing. Allele origin: germline. Affected: yes. Observed: 1 variant allele.
Comment: SZT2: PM2, BP4

Labcorp Genetics (formerly Invitae), Labcorp
Classification: Uncertain significance. Last evaluated: 2024-10-16. Review status: criteria provided, single submitter. Criteria: Invitae Variant Classification Sherloc (09022015). Collection method: clinical testing. Allele origin: germline.
Comment: This sequence change replaces arginine, which is basic and polar, with histidine, which is basic and polar, at codon 1681 of the SZT2 protein (p.Arg1681His). This variant is present in population databases (rs757114763, gnomAD no frequency). This variant has not been reported in the literature in individuals affected with SZT2-related conditions. ClinVar contains an entry for this variant (Variation ID: 1380461). Invitae Evidence Modeling of protein sequence and biophysical properties (such as structural, functional, and spatial information, amino acid conservation, physicochemical variation, residue mobility, and thermodynamic stability) indicates that this missense variant is not expected to disrupt SZT2 protein function with a negative predictive value of 80%. In summary, the available evidence is currently insufficient to determine the role of this variant in disease. Therefore, it has been classified as a Variant of Uncertain Significance.